The following is an entry in ClinVar:

ClinVar aggregate classification (germline): Pathogenic (1 of 4 stars; one submission).

Conditions:
Wiskott-Aldrich syndrome 2 (WAS2). Also called: WIPF1 DEFICIENCY. Identifiers: Orphanet 906, MedGen C3281001, MONDO:0013779, OMIM 614493.

Submission:

Labcorp Genetics (formerly Invitae), Labcorp
Classification: Pathogenic for Wiskott-Aldrich syndrome 2. Last evaluated: 2024-11-16. Review status: criteria provided, single submitter. Criteria: Invitae Variant Classification Sherloc (09022015). Collection method: clinical testing. Allele origin: germline.
Comment: This sequence change creates a premature translational stop signal (p.Arg125*) in the WIPF1 gene. It is expected to result in an absent or disrupted protein product. Loss-of-function variants in WIPF1 are known to be pathogenic (PMID: 22231303, 27742395). This variant is not present in population databases (gnomAD no frequency). This variant has not been reported in the literature in individuals affected with WIPF1-related conditions. For these reasons, this variant has been classified as Pathogenic.

Literature cited by the submitters: PubMed 22231303; PubMed 27742395.

NM_001375834.1(WIPF1):c.373C>T (p.Arg125Ter)

Gene: WIPF1 (WAS/WASL interacting protein family member 1; minus strand). Cytogenetic location: 2q31.1.
Variant type: single nucleotide variant.
Coding change: c.373C>T on transcript NM_001375834.1 (MANE Select); coding-DNA position 373, C replaced by T.
Protein change: p.Arg125Ter; replaces arginine 125 with a stop codon.
Molecular consequence: nonsense. On other transcripts: intron variant (1).
Genome position (GRCh38, 1-based): chr2:174,572,432, G>A on the plus strand (C>T on the coding strand, the complement: WIPF1 is on the minus strand). VCF-style: chr2-174572432-G-A. GRCh37 (hg19) VCF-style: chr2-175437160-G-A.
Other names: c.373C>T, p.Arg125Ter (NM_001077269.1, NM_001375832.1, NM_001375833.1 and 5 more transcripts); c.182-187C>T (NM_001375839.1); short protein forms R125*.
Identifiers: ClinVar variation 3691481 (VCV003691481.2).